The following is an entry in ClinVar:

ClinVar aggregate classification (germline): Benign. Review status: criteria provided, single submitter (1 of 4 stars). 2 submissions from 2 submitters: Benign (1). 1 of the submissions does not count toward it. Last evaluated 2018-06-14.

Allele frequency attached by ClinVar (database versions not stated): ExAC 0.12172; 1000 Genomes Project 0.13259; 1000 Genomes Project 30x 0.13976; gnomAD 0.14947 and 0.15417; TOPMed 0.15079; gnomAD exomes 0.10577 and 0.11480.

Submissions (2):

GeneDx
Classification: Benign. Last evaluated: 2018-06-14. Review status: criteria provided, single submitter. Criteria: GeneDx Variant Classification (06012015). Collection method: clinical testing. Allele origin: germline. Affected: yes.
Comment: This variant is considered likely benign or benign based on one or more of the following criteria: it is a conservative change, it occurs at a poorly conserved position in the protein, it is predicted to be benign by multiple in silico algorithms, and/or has population frequency not consistent with disease.

Mayo Clinic Laboratories, Mayo Clinic
Classification: Benign. Last evaluated: 2016-03-02. Review status: no assertion criteria provided. Collection method: clinical testing. Allele origin: unknown. Not counted in ClinVar's aggregate classification.

NM_014317.5(PDSS1):c.1027-33_1027-30del

Gene: PDSS1 (decaprenyl diphosphate synthase subunit 1; plus strand). Cytogenetic location: 10p12.1.
Variant type: Deletion.
Coding change: c.1027-33_1027-30del on transcript NM_014317.5 (MANE Select); 33 bases into the intron before coding-DNA position 1027 through 30 bases into the intron before coding-DNA position 1027, 4 bases deleted (GATT; older notation c.1027-33_1027-30delGATT).
Molecular consequence: intron variant.
Genome position (GRCh38, 1-based): chr10:26,742,464-26,742,467, GATT deleted. VCF-style (leftmost placement, unchanged base first): chr10-26742463-AGATT-A. GRCh37 (hg19) VCF-style: chr10-27031392-AGATT-A.
Other names: c.517-33_517-30del (NM_001321979.2); c.836-33_836-30del (NM_001321978.2); c.1027-33_1027-30delGATT (NM_014317.3).
Identifiers: ClinVar variation 559167 (VCV000559167.6), dbSNP rs34974619, ClinGen allele CA5447104.